The following is an entry in ClinVar:

ClinVar aggregate classification (germline): Uncertain significance (1 of 4 stars; one submission).

Conditions:
Shprintzen-Goldberg syndrome (SGS). Also called: Marfanoid disorder with craniosynostosis type 1; Marfanoid craniosynostosis syndrome; Shprintzen-Goldberg marfanoid syndrome; SHPRINTZEN-GOLDBERG CRANIOSYNOSTOSIS SYNDROME; CRANIOSYNOSTOSIS WITH ARACHNODACTYLY AND ABDOMINAL HERNIAS. Identifiers: Orphanet 2462, MedGen C1321551, MONDO:0008426, OMIM 182212.

gnomAD v4.1: 1 of 1,573,750 alleles (0.000064%); no homozygotes.

Submission:

Labcorp Genetics (formerly Invitae), Labcorp
Classification: Uncertain significance for Shprintzen-Goldberg syndrome. Last evaluated: 2024-03-13. Review status: criteria provided, single submitter. Criteria: Invitae Variant Classification Sherloc (09022015). Collection method: clinical testing. Allele origin: germline.
Comment: This sequence change replaces leucine, which is neutral and non-polar, with valine, which is neutral and non-polar, at codon 577 of the SKI protein (p.Leu577Val). This variant is not present in population databases (gnomAD no frequency). This variant has not been reported in the literature in individuals affected with SKI-related conditions. Advanced modeling of protein sequence and biophysical properties (such as structural, functional, and spatial information, amino acid conservation, physicochemical variation, residue mobility, and thermodynamic stability) has been performed at Invitae for this missense variant, however the output from this modeling did not meet the statistical confidence thresholds required to predict the impact of this variant on SKI protein function. In summary, the available evidence is currently insufficient to determine the role of this variant in disease. Therefore, it has been classified as a Variant of Uncertain Significance.

NM_003036.4(SKI):c.1729C>G (p.Leu577Val)

Gene: SKI (SKI proto-oncogene; plus strand). Cytogenetic location: 1p36.32.
Variant type: single nucleotide variant.
Coding change: c.1729C>G on transcript NM_003036.4 (MANE Select); coding-DNA position 1729, C replaced by G.
Protein change: p.Leu577Val; replaces leucine 577 with valine.
Molecular consequence: missense variant.
Genome position (GRCh38, 1-based): chr1:2,304,547, C>G. VCF-style: chr1-2304547-C-G. GRCh37 (hg19) VCF-style: chr1-2235986-C-G.
Other names: short protein forms L577V.
Identifiers: ClinVar variation 3633454 (VCV003633454.2).